The following is an entry in ClinVar:

ClinVar aggregate classification (germline): Uncertain significance (1 of 4 stars; one submission).

Allele frequency attached by ClinVar (database versions not stated): TOPMed below 0.00001.
gnomAD v4.1: 3 of 1,613,008 alleles (0.00019%); highest among the groups gnomAD compares: Non-Finnish European, 0.00025%; no homozygotes.

Submission:

Labcorp Genetics (formerly Invitae), Labcorp
Classification: Uncertain significance. Last evaluated: 2023-01-19. Review status: criteria provided, single submitter. Criteria: Invitae Variant Classification Sherloc (09022015). Collection method: clinical testing. Allele origin: germline.
Comment: In summary, the available evidence is currently insufficient to determine the role of this variant in disease. Therefore, it has been classified as a Variant of Uncertain Significance. Algorithms developed to predict the effect of missense changes on protein structure and function output the following: SIFT: "Tolerated"; PolyPhen-2: "Benign"; Align-GVGD: "Class C0". The valine amino acid residue is found in multiple mammalian species, which suggests that this missense change does not adversely affect protein function. This variant has not been reported in the literature in individuals affected with MKL1-related conditions. This variant is not present in population databases (gnomAD no frequency). This sequence change replaces alanine, which is neutral and non-polar, with valine, which is neutral and non-polar, at codon 296 of the MKL1 protein (p.Ala296Val).

NM_020831.6(MRTFA):c.1187C>T (p.Ala396Val)

Gene: MRTFA (myocardin related transcription factor A; minus strand). Cytogenetic location: 22q13.1.
Variant type: single nucleotide variant.
Coding change: c.1187C>T on transcript NM_020831.6 (MANE Select); coding-DNA position 1187, C replaced by T.
Protein change: p.Ala396Val; replaces alanine 396 with valine.
Molecular consequence: missense variant.
Genome position (GRCh38, 1-based): chr22:40,420,571, G>A on the plus strand (C>T on the coding strand, the complement: MRTFA is on the minus strand). VCF-style: chr22-40420571-G-A. GRCh37 (hg19) VCF-style: chr22-40816575-G-A.
Other names: c.887C>T, p.Ala296Val (NM_001282660.2); c.1037C>T, p.Ala346Val (NM_001282661.3); c.1187C>T, p.Ala396Val (NM_001282662.3); c.992C>T, p.Ala331Val (NM_001318139.2); short protein forms A331V, A396V, A296V, A346V.
Identifiers: ClinVar variation 2792171 (VCV002792171.3), dbSNP rs1336100435, ClinGen allele CA411663717.